The following is an entry in ClinVar:

ClinVar aggregate classification (germline): Likely pathogenic (1 of 4 stars; one submission).

Submission:

GeneDx
Classification: Likely pathogenic. Last evaluated: 2024-09-09. Review status: criteria provided, single submitter. Criteria: GeneDx Variant Classification Process June 2021. Collection method: clinical testing. Allele origin: germline. Affected: yes.
Comment: Identified in individuals with neurodevelopmental phenotypes, without seizures, in the published literature (PMID: 34867351); In-frame deletion of 5 amino acids in a non-repeat region; Not observed at significant frequency in large population cohorts (gnomAD); In silico analysis supports a deleterious effect on protein structure/function; This variant is associated with the following publications: (PMID: 34867351)

NM_001330260.2(SCN8A):c.5077_5091del (p.Asn1693_Cys1697del)

Gene: SCN8A (sodium voltage-gated channel alpha subunit 8; plus strand). Cytogenetic location: 12q13.13.
Variant type: Deletion.
Coding change: c.5077_5091del on transcript NM_001330260.2 (MANE Select); coding-DNA positions 5077 to 5091, 15 bases deleted (AACAGCATGATCTGC).
Protein change: p.Asn1693_Cys1697del.
Molecular consequence: inframe deletion.
Genome position (GRCh38, 1-based): chr12:51,806,563-51,806,577, AACAGCATGATCTGC deleted; deleting any 15 consecutive bases within chr12:51,806,561-51,806,577 gives the same sequence; the c. name uses the placement nearest the transcript's 3' end. VCF-style (leftmost placement, unchanged base first): chr12-51806560-GGCAACAGCATGATCT-G. GRCh37 (hg19) VCF-style: chr12-52200344-GGCAACAGCATGATCT-G.
Other names: c.4954_4968del, p.Asn1652_Cys1656del (NM_001177984.3, NM_001369788.1); c.5077_5091del, p.Asn1693_Cys1697del (NM_014191.4); c.5077_5091delAACAGCATGATCTGC (NM_014191.3); c.5077_5091del (NM_014191.3).
Identifiers: ClinVar variation 423147 (VCV000423147.3), dbSNP rs1064796263, ClinGen allele CA16619565.